The following is an entry in ClinVar:

ClinVar aggregate classification (germline): Pathogenic (1 of 4 stars; one submission).

Submission:

Labcorp Genetics (formerly Invitae), Labcorp
Classification: Pathogenic. Last evaluated: 2022-04-08. Review status: criteria provided, single submitter. Criteria: Invitae Variant Classification Sherloc (09022015). Collection method: clinical testing. Allele origin: germline.
Comment: For these reasons, this variant has been classified as Pathogenic. This variant disrupts the p.Arg384 amino acid residue in CYP11B1. Other variant(s) that disrupt this residue have been determined to be pathogenic (PMID: 8506298, 15751602, 20089618, 26956189). This suggests that this residue is clinically significant, and that variants that disrupt this residue are likely to be disease-causing. Advanced modeling of protein sequence and biophysical properties (such as structural, functional, and spatial information, amino acid conservation, physicochemical variation, residue mobility, and thermodynamic stability) performed at Invitae indicates that this missense variant is expected to disrupt CYP11B1 protein function. This missense change has been observed in individual(s) with 11-beta-hydroxylase deficiency (PMID: 7889175). It has also been observed to segregate with disease in related individuals. This variant is not present in population databases (gnomAD no frequency). This sequence change replaces arginine, which is basic and polar, with glycine, which is neutral and non-polar, at codon 384 of the CYP11B1 protein (p.Arg384Gly).

Literature cited by the submitters: PubMed 8506298; PubMed 15751602; PubMed 20089618; PubMed 26956189; PubMed 7889175.

NM_000497.4(CYP11B1):c.1150C>G (p.Arg384Gly)

Genes: CYP11B1 (cytochrome P450 family 11 subfamily B member 1; minus strand), LOC106799833 (CYP11B1 recombination region; plus strand). Cytogenetic location: 8q24.3.
Variant type: single nucleotide variant.
Coding change: c.1150C>G on transcript NM_000497.4 (MANE Select); coding-DNA position 1150, C replaced by G.
Protein change: p.Arg384Gly; replaces arginine 384 with glycine.
Molecular consequence: missense variant.
Genome position (GRCh38, 1-based): chr8:142,875,284, G>C on the plus strand (C>G on the coding strand, the complement: CYP11B1 is on the minus strand). VCF-style: chr8-142875284-G-C. GRCh37 (hg19) VCF-style: chr8-143956700-G-C.
Other names: c.1150C>G, p.Arg384Gly (NM_001026213.1); short protein forms R384G.
Identifiers: ClinVar variation 2136708 (VCV002136708.4), dbSNP rs1816900835, ClinGen allele CA372392516.